The following is an entry in ClinVar:

ClinVar aggregate classification (germline): Likely benign (1 of 4 stars; one submission).

Conditions:
KCNQ1-related disorder. Also called: KCNQ1-related condition; KCNQ1-related disorders. Identifiers: MedGen CN239322.

Submission:

PreventionGenetics, part of Exact Sciences
Classification: Likely benign for KCNQ1-related condition. Last evaluated: 2025-04-03. Review status: criteria provided, single submitter. Criteria: ACMG Guidelines, 2015. Collection method: clinical testing. Allele origin: germline.
Comment: This variant is classified as likely benign based on ACMG/AMP sequence variant interpretation guidelines (Richards et al. 2015 PMID: 25741868, with internal and published modifications).

NM_000218.3(KCNQ1):c.1514+17191C>G

Genes: KCNQ1 (potassium voltage-gated channel subfamily Q member 1; plus strand), KCNQ1OT1 (KCNQ1 opposite strand/antisense transcript 1; minus strand). Cytogenetic location: 11p15.5.
Variant type: single nucleotide variant.
Coding change: c.1514+17191C>G on transcript NM_000218.3 (MANE Select); 17191 bases into the intron after coding-DNA position 1514, C replaced by G.
Molecular consequence: intron variant. On other transcripts: non-coding transcript variant (1).
Genome position (GRCh38, 1-based): chr11:2,679,272, C>G. VCF-style: chr11-2679272-C-G. GRCh37 (hg19) VCF-style: chr11-2700502-C-G.
Other names: c.1244+17191C>G (NM_001406837.1); c.1418+17191C>G (NM_001406836.1); c.974+17191C>G (NM_001406838.1); c.1133+17191C>G (NM_181798.2).
Identifiers: ClinVar variation 4983314 (VCV004983314.1).